The following is an entry in ClinVar:

ClinVar aggregate classification (germline): Uncertain significance. Review status: criteria provided, multiple submitters, no conflicts (2 of 4 stars). 2 submissions from 2 submitters: Uncertain significance (2). Last evaluated 2025-03-30.

gnomAD v4.1: 20 of 1,500,448 alleles (0.0013%); highest among the groups gnomAD compares: East Asian, 0.036%; no homozygotes.

Submissions (2):

Ambry Genetics
Classification: Uncertain significance. Last evaluated: 2025-03-30. Review status: criteria provided, single submitter. Criteria: Ambry Variant Classification Scheme 2023. Collection method: clinical testing. Allele origin: germline.

Labcorp Genetics (formerly Invitae), Labcorp
Classification: Uncertain significance. Last evaluated: 2023-02-22. Review status: criteria provided, single submitter. Criteria: Invitae Variant Classification Sherloc (09022015). Collection method: clinical testing. Allele origin: germline.
Comment: This sequence change replaces serine, which is neutral and polar, with phenylalanine, which is neutral and non-polar, at codon 8 of the SPPL2A protein (p.Ser8Phe). This variant has not been reported in the literature in individuals affected with SPPL2A-related conditions. ClinVar contains an entry for this variant (Variation ID: 1500574). An algorithm developed to predict the effect of missense changes on protein structure and function (PolyPhen-2) suggests that this variant is likely to be tolerated. In summary, the available evidence is currently insufficient to determine the role of this variant in disease. Therefore, it has been classified as a Variant of Uncertain Significance. This variant is present in population databases (no rsID available, gnomAD 0.02%).

NM_032802.4(SPPL2A):c.23C>T (p.Ser8Phe)

Genes: SPPL2A (signal peptide peptidase like 2A; minus strand), LOC130057047 (ATAC-STARR-seq lymphoblastoid silent region 6430; plus strand). Cytogenetic location: 15q21.2.
Variant type: single nucleotide variant.
Coding change: c.23C>T on transcript NM_032802.4 (MANE Select); coding-DNA position 23, C replaced by T.
Protein change: p.Ser8Phe; replaces serine 8 with phenylalanine.
Molecular consequence: missense variant.
Genome position (GRCh38, 1-based): chr15:50,765,511, G>A on the plus strand (C>T on the coding strand, the complement: SPPL2A is on the minus strand). VCF-style: chr15-50765511-G-A. GRCh37 (hg19) VCF-style: chr15-51057708-G-A.
Other names: c.23C>T (NM_032802.3); short protein forms S8F.
Identifiers: ClinVar variation 1500574 (VCV001500574.9), dbSNP rs1024485397, ClinGen allele CA392462387.